The following is an entry in ClinVar:

NM_000027.4(AGA):c.3G>A (p.Met1Ile)

Gene: AGA (aspartylglucosaminidase; minus strand). Cytogenetic location: 4q34.3.
Variant type: single nucleotide variant.
Coding change: c.3G>A on transcript NM_000027.4 (MANE Select); coding-DNA position 3, G replaced by A.
Protein change: p.Met1Ile; changes the start codon (methionine 1).
Molecular consequence: missense variant, initiator codon variant. On other transcripts: non-coding transcript variant (1).
Genome position (GRCh38, 1-based): chr4:177,442,373, C>T on the plus strand (G>A on the coding strand, the complement: AGA is on the minus strand). VCF-style: chr4-177442373-C-T. GRCh37 (hg19) VCF-style: chr4-178363527-C-T.
Other names: c.3G>A, p.Met1Ile (NM_001171988.2); short protein forms M1I.
Identifiers: ClinVar variation 2506300 (VCV002506300.2), dbSNP rs937973897, ClinGen allele CA110791895.

ClinVar aggregate classification (germline): Likely pathogenic (1 of 4 stars; one submission).

Conditions:
Aspartylglucosaminuria (AGU). Also called: GLYCOASPARAGINASE; GLYCOSYLASPARAGINASE DEFICIENCY; AGA DEFICIENCY; Aspartylglucos-aminuria; Aspartylglucos-amidase (AGA) deficiency. Identifiers: Orphanet 93, MedGen C0268225, MONDO:0008830, OMIM 208400, HP:0012068.

Submission:

Women's Health and Genetics/Laboratory Corporation of America, LabCorp
Classification: Likely pathogenic for Aspartylglucosaminuria. Last evaluated: 2023-05-04. Review status: criteria provided, single submitter. Criteria: LabCorp Variant Classification Summary - May 2015. Collection method: clinical testing. Allele origin: germline.
Comment: Variant summary: AGA c.3G>A (p.Met1?, aka p.Met1Ile) alters the initiation codon and is predicted to result either in absence of the protein or truncation of the encoded protein due to translation initiation at a downstream codon. The first potential downstream in-frame start codon (ATG) is located at Met63, which is not a known initiation codon in any alternative transcripts. Truncations and pathogenic missense variants have been reported upstream of Met63 in affected individuals (HGMD), and been classified as pathogenic by our laboratory. The variant was absent in 251060 control chromosomes (gnomAD). The available data on variant occurrences in the general population are insufficient to allow any conclusion about variant significance. To our knowledge, no occurrence of c.3G>A in individuals affected with Aspartylglucosaminuria and no experimental evidence demonstrating its impact on protein function have been reported. No clinical diagnostic laboratories have submitted clinical-significance assessments for this variant to ClinVar after 2014. Based on the evidence outlined above, the variant was classified as likely pathogenic.